The following is an entry in ClinVar:

NM_020778.5(ALPK3):c.4034G>A (p.Arg1345Gln)

Gene: ALPK3 (alpha kinase 3; plus strand). Cytogenetic location: 15q25.3.
Variant type: single nucleotide variant.
Coding change: c.4034G>A on transcript NM_020778.5 (MANE Select); coding-DNA position 4034, G replaced by A.
Protein change: p.Arg1345Gln; replaces arginine 1345 with glutamine.
Molecular consequence: missense variant.
Genome position (GRCh38, 1-based): chr15:84,859,844, G>A. VCF-style: chr15-84859844-G-A. GRCh37 (hg19) VCF-style: chr15-85403075-G-A.
Other names: short protein forms R1345Q.
Identifiers: ClinVar variation 1503114 (VCV001503114.10), dbSNP rs768456090, ClinGen allele CA7709813.

ClinVar aggregate classification (germline): Uncertain significance. Review status: criteria provided, multiple submitters, no conflicts (2 of 4 stars). 3 submissions from 3 submitters: Uncertain significance (3). Last evaluated 2025-10-23.

Conditions:
Cardiovascular phenotype. Identifiers: MedGen CN230736.

Allele frequency attached by ClinVar (database versions not stated): gnomAD 0.00001; gnomAD exomes 0.00001 and 0.00004; TOPMed 0.00003; ExAC 0.00005.
gnomAD v4.1: 22 of 1,613,924 alleles (0.0014%); highest among the groups gnomAD compares: Middle Eastern, 0.033%; no homozygotes.

Submissions (3):

Labcorp Genetics (formerly Invitae), Labcorp
Classification: Uncertain significance. Last evaluated: 2025-10-23. Review status: criteria provided, single submitter. Criteria: Invitae Variant Classification Sherloc (09022015). Collection method: clinical testing. Allele origin: germline.
Comment: This sequence change replaces arginine, which is basic and polar, with glutamine, which is neutral and polar, at codon 1547 of the ALPK3 protein (p.Arg1547Gln). This variant is present in population databases (rs768456090, gnomAD 0.03%). This variant has not been reported in the literature in individuals affected with ALPK3-related conditions. ClinVar contains an entry for this variant (Variation ID: 1503114). Invitae Evidence Modeling of protein sequence and biophysical properties (such as structural, functional, and spatial information, amino acid conservation, physicochemical variation, residue mobility, and thermodynamic stability) indicates that this missense variant is not expected to disrupt ALPK3 protein function with a negative predictive value of 80%. In summary, the available evidence is currently insufficient to determine the role of this variant in disease. Therefore, it has been classified as a Variant of Uncertain Significance.

Ambry Genetics
Classification: Uncertain significance for Cardiovascular phenotype. Last evaluated: 2024-07-09. Review status: criteria provided, single submitter. Criteria: Ambry Variant Classification Scheme 2023. Collection method: clinical testing. Allele origin: germline.
Comment: The p.R1547Q variant (also known as c.4640G>A), located in coding exon 8 of the ALPK3 gene, results from a G to A substitution at nucleotide position 4640. The arginine at codon 1547 is replaced by glutamine, an amino acid with highly similar properties. This amino acid position is not well conserved in available vertebrate species, and glutamine is the reference amino acid in other vertebrate species. In addition, this alteration is predicted to be tolerated by in silico analysis. Since supporting evidence is limited at this time, the clinical significance of this alteration remains unclear.

GeneDx
Classification: Uncertain significance. Last evaluated: 2022-10-31. Review status: criteria provided, single submitter. Criteria: GeneDx Variant Classification Process June 2021. Collection method: clinical testing. Allele origin: germline. Affected: yes.
Comment: Has not been previously published as pathogenic or benign to our knowledge; In silico analysis supports that this missense variant does not alter protein structure/function